The following is an entry in ClinVar:

NC_000023.10:g.(?_149807406)_(149814354_?)dup

Gene: MTM1 (myotubularin 1; plus strand). Cytogenetic location: Xq28.
Variant type: Duplication.
Identifiers: ClinVar variation 1409335 (VCV001409335.4).

ClinVar aggregate classification (germline): Uncertain significance (1 of 4 stars; one submission).

Conditions:
Severe X-linked myotubular myopathy (CNMX). Also called: X-linked centronuclear myopathy; MYOTUBULAR MYOPATHY 1; Myotubular myopathy, X-linked. Identifiers: Orphanet 596, MedGen C0410203, MONDO:0010683, OMIM 310400.

Submission:

Labcorp Genetics (formerly Invitae), Labcorp
Classification: Uncertain significance for Severe X-linked myotubular myopathy. Last evaluated: 2021-01-11. Review status: criteria provided, single submitter. Criteria: Invitae Variant Classification Sherloc (09022015). Collection method: clinical testing. Allele origin: germline.
Comment: This variant results in a copy number gain of the genomic region encompassing exon(s) 7-9 of the MTM1 gene. While the exact position of this variant cannot be determined from the data, sub-genic copy number gains are generally in tandem (PMID: 25640679). This variant is predicted to be in-frame, and likely preserves the integrity of the reading frame. This variant has not been reported in the literature in individuals with MTM1-related conditions. Experimental studies and prediction algorithms are not available or were not evaluated, and the functional significance of this variant is currently unknown. In summary, the available evidence is currently insufficient to determine the role of this variant in disease. Therefore, it has been classified as a Variant of Uncertain Significance.

Literature cited by the submitters: PubMed 25640679.